The following is an entry in ClinVar:

NM_000059.4(BRCA2):c.8881_8915delinsTA (p.Gly2961_Leu2972delinsTer)

Gene: BRCA2 (BRCA2 DNA repair associated; plus strand). Cytogenetic location: 13q13.1.
Variant type: Indel.
Coding change: c.8881_8915delinsTA on transcript NM_000059.4 (MANE Select); coding-DNA positions 8881 to 8915, the reference bases replaced by TA.
Protein change: p.Gly2961_Leu2972delinsTer.
Molecular consequence: nonsense. On other transcripts: non-coding transcript variant (1).
Genome position (GRCh38, 1-based): chr13:32,379,443-32,379,477, 35 bases replaced. GRCh37 (hg19): chr13:32,953,580-32,953,614.
Other names: c.8785_8819delinsTA, p.Gly2929_Leu2940delinsTer (NM_001406719.1); c.8881_8915delinsTA, p.Gly2961_Leu2972delinsTer (NM_001406720.1, NM_001432077.1); c.3949_3983delinsTA, p.Gly1317_Leu1328delinsTer (NM_001406721.1); c.2464_2498delinsTA, p.Gly822_Leu833delinsTer (NM_001406722.1).
Identifiers: ClinVar variation 4215845 (VCV004215845.1).

ClinVar aggregate classification (germline): Pathogenic (1 of 4 stars; one submission).

Conditions:
Hereditary cancer-predisposing syndrome. Also called: Hereditary Cancer Syndrome; Hereditary neoplastic syndrome; Neoplastic Syndromes, Hereditary; Tumor predisposition. Identifiers: Orphanet 140162, MedGen C0027672, MeSH D009386, MONDO:0015356.

Submission:

Ambry Genetics
Classification: Pathogenic for Hereditary cancer-predisposing syndrome. Last evaluated: 2025-07-01. Review status: criteria provided, single submitter. Criteria: Ambry Variant Classification Scheme 2023. Collection method: clinical testing. Allele origin: germline.
Comment: The c.8881_8915del35insTA pathogenic mutation (also known as p.G2961_L2972delins*), located in coding exon 21 of the BRCA2 gene, results from an in-frame deletion of 35 nucleotides and insertion of TA at nucleotide positions 8881 to 8915. This results in the deletion of two amino acids (GL) and the insertion of a stop codon at codons 2961 to 2972. This variant is considered to be rare based on population cohorts in the Genome Aggregation Database (gnomAD). This alteration is expected to result in loss of function by premature protein truncation or nonsense-mediated mRNA decay. As such, this alteration is interpreted as a disease-causing mutation.